The following is an entry in ClinVar:

ClinVar aggregate classification (germline): Uncertain significance (1 of 4 stars; one submission).

Conditions:
Autosomal dominant nocturnal frontal lobe epilepsy 5. Also called: Epilepsy, nocturnal frontal lobe, 5; CILIARY DYSKINESIA, PRIMARY, 28, WITHOUT SITUS INVERSUS; CILIARY DYSKINESIA, PRIMARY, 28, WITH SITUS INVERSUS; KCNT1-Related Epilepsy. Identifiers: Orphanet 98784, MedGen C3554306, MONDO:0014002, OMIM 615005.
Developmental and epileptic encephalopathy, 14 (DEE14). Also called: Early infantile epileptic encephalopathy 14. Identifiers: Orphanet 293181, MedGen C3554195, MONDO:0013989, OMIM 614959.

Submission:

Labcorp Genetics (formerly Invitae), Labcorp
Classification: Uncertain significance for Autosomal dominant nocturnal frontal lobe epilepsy 5; Developmental and epileptic encephalopathy, 14. Last evaluated: 2021-08-01. Review status: criteria provided, single submitter. Criteria: Invitae Variant Classification Sherloc (09022015). Collection method: clinical testing. Allele origin: germline.
Comment: This sequence change replaces isoleucine with asparagine at codon 324 of the KCNT1 protein (p.Ile324Asn). The isoleucine residue is highly conserved and there is a large physicochemical difference between isoleucine and asparagine. This variant is not present in population databases (ExAC no frequency). This variant has not been reported in the literature in individuals with KCNT1-related conditions. Algorithms developed to predict the effect of missense changes on protein structure and function are either unavailable or do not agree on the potential impact of this missense change (SIFT: "Deleterious"; PolyPhen-2: "Benign"; Align-GVGD: "Class C0"). In summary, the available evidence is currently insufficient to determine the role of this variant in disease. Therefore, it has been classified as a Variant of Uncertain Significance.

NM_020822.3(KCNT1):c.971T>A (p.Ile324Asn)

Gene: KCNT1 (potassium sodium-activated channel subfamily T member 1; plus strand). Cytogenetic location: 9q34.3.
Variant type: single nucleotide variant.
Coding change: c.971T>A on transcript NM_020822.3 (MANE Select); coding-DNA position 971, T replaced by A.
Protein change: p.Ile324Asn; replaces isoleucine 324 with asparagine.
Molecular consequence: missense variant.
Genome position (GRCh38, 1-based): chr9:135,759,795, T>A. VCF-style: chr9-135759795-T-A. GRCh37 (hg19) VCF-style: chr9-138651641-T-A.
Other names: c.836T>A, p.Ile279Asn (NM_001272003.2); short protein forms I279N, I324N.
Identifiers: ClinVar variation 1358210 (VCV001358210.8), dbSNP rs2131451388, ClinGen allele CA375498600.
Genomic context (GRCh38, chr9:135,759,795, plus strand): 5'-CCTTCTACTTCTGCATCGTCACCTTCTCCACCGTGGGCTACGGTGACGTCACGCCCAAGA[T>A]CTGGCCATCGCAGCTGCTGGTGGTCATCATGATCTGCGTGGCCCTCGTGGTGCTCCCACT-3'
Protein context (NP_065873.2, residues 314-334): TVGYGDVTPK[Ile324Asn]WPSQLLVVIM